The following is an entry in ClinVar:

NM_206933.4(USH2A):c.8988del (p.Phe2996fs)

Gene: USH2A (usherin; minus strand). Cytogenetic location: 1q41.
Variant type: Deletion.
Coding change: c.8988del on transcript NM_206933.4 (MANE Select); coding-DNA position 8988, one base deleted (T; older notation c.8988delT).
Protein change: p.Phe2996fs; shifts the reading frame from phenylalanine 2996.
Molecular consequence: frameshift variant.
Genome position (GRCh38, 1-based): chr1:215,845,891, A deleted on the plus strand (T on the coding strand, the reverse complement: USH2A is on the minus strand); the first of 3 consecutive A bases (chr1:215,845,891-215,845,893); deleting any one gives the same sequence. VCF-style (leftmost placement, unchanged base first): chr1-215845890-TA-T. GRCh37 (hg19) VCF-style: chr1-216019232-TA-T.
Other names: c.8988delT (NM_206933.4); short protein forms F2996fs.
Identifiers: ClinVar variation 4849489 (VCV004849489.1).

ClinVar aggregate classification (germline): Likely pathogenic (1 of 4 stars; one submission).

Conditions:
Retinitis pigmentosa 39 (RP39). Identifiers: Orphanet 791, MedGen C3151138, MONDO:0013436, OMIM 613809.
Usher syndrome type 2A. Also called: RETINAL DISEASE IN USHER SYNDROME TYPE IIA, MODIFIER OF; USHER SYNDROME, TYPE IIA. Identifiers: Orphanet 231178, Orphanet 886, MedGen C1848634, MONDO:0010169, OMIM 276901.

Submission:

First Genomix Gene Laboratory, Genetic Diagnostics Department
Classification: Likely pathogenic for Retinitis pigmentosa 39; Usher syndrome type 2A. Last evaluated: 2025-05-26. Review status: criteria provided, single submitter. Criteria: ACMG Guidelines, 2015. Collection method: clinical testing. Allele origin: germline. Inheritance: Autosomal recessive inheritance. Affected: no. Observed: 1 variant allele.